The following is an entry in ClinVar:

ClinVar aggregate classification (germline): Uncertain significance (1 of 4 stars; one submission).

Submission:

Ambry Genetics
Classification: Uncertain significance. Last evaluated: 2025-08-14. Review status: criteria provided, single submitter. Criteria: Ambry Variant Classification Scheme 2023. Collection method: clinical testing. Allele origin: germline.
Comment: The p.N894D variant (also known as c.2680A>G), located in coding exon 8 of the CDK12 gene, results from an A to G substitution at nucleotide position 2680. The asparagine at codon 894 is replaced by aspartic acid, an amino acid with highly similar properties. This amino acid position is conserved. In addition, this alteration is predicted to be tolerated by in silico analysis. Based on the available evidence, the clinical significance of this variant remains unclear.

NM_016507.4(CDK12):c.2680A>G (p.Asn894Asp)

Gene: CDK12 (cyclin dependent kinase 12; plus strand). Cytogenetic location: 17q12.
Variant type: single nucleotide variant.
Coding change: c.2680A>G on transcript NM_016507.4 (MANE Select); coding-DNA position 2680, A replaced by G.
Protein change: p.Asn894Asp; replaces asparagine 894 with aspartic acid.
Molecular consequence: missense variant.
Genome position (GRCh38, 1-based): chr17:39,511,542, A>G. VCF-style: chr17-39511542-A-G. GRCh37 (hg19) VCF-style: chr17-37667795-A-G.
Other names: c.2680A>G, p.Asn894Asp (NM_015083.4); short protein forms N894D.
Identifiers: ClinVar variation 4224389 (VCV004224389.1).
Genomic context (GRCh38, chr17:39,511,542, plus strand): 5'-TCAGAAGCCACTGTAAGTTTATGTCATGGTTGTTTTTTATATTTCAGTCGCCCTTACACA[A>G]ACAAAGTCATTACTTTGTGGTACCGACCTCCAGAACTACTGCTAGGAGAGGAACGTTACA-3'
Protein context (NP_057591.2, residues 884-904): YNSEESRPYT[Asn894Asp]KVITLWYRPP